The following is an entry in ClinVar:

ClinVar aggregate classification (germline): Uncertain significance. Review status: criteria provided, multiple submitters, no conflicts (2 of 4 stars). 3 submissions from 3 submitters: Uncertain significance (3). Last evaluated 2024-06-14.

Conditions:
Autosomal recessive hypophosphatemic bone disease (HHRH). Also called: HYPERCALCIURIC RICKETS; Hypophosphatemic rickets with hypercalciuria. Identifiers: Orphanet 157215, MedGen C1853271, MONDO:0009431, OMIM 241530.

Allele frequency attached by ClinVar (database versions not stated): TOPMed below 0.00001; gnomAD 0.00002; ExAC 0.00003.

Submissions (3):

Fulgent Genetics
Classification: Uncertain significance for Autosomal recessive hypophosphatemic bone disease. Last evaluated: 2024-06-14. Review status: criteria provided, single submitter. Criteria: ACMG Guidelines, 2015. Collection method: clinical testing. Allele origin: germline.

Blueprint Genetics
Classification: Uncertain significance. Last evaluated: 2023-08-16. Review status: criteria provided, single submitter. Criteria: ACMG Guidelines, 2015. Collection method: clinical testing. Allele origin: germline.

Labcorp Genetics (formerly Invitae), Labcorp
Classification: Uncertain significance. Last evaluated: 2022-04-17. Review status: criteria provided, single submitter. Criteria: Invitae Variant Classification Sherloc (09022015). Collection method: clinical testing. Allele origin: germline.
Comment: This sequence change replaces glycine, which is neutral and non-polar, with arginine, which is basic and polar, at codon 505 of the SLC34A3 protein (p.Gly505Arg). In summary, the available evidence is currently insufficient to determine the role of this variant in disease. Therefore, it has been classified as a Variant of Uncertain Significance. Algorithms developed to predict the effect of missense changes on protein structure and function (SIFT, PolyPhen-2, Align-GVGD) all suggest that this variant is likely to be disruptive. This variant has not been reported in the literature in individuals affected with SLC34A3-related conditions. This variant is present in population databases (rs753457384, gnomAD 0.007%).

NM_001177316.2(SLC34A3):c.1513G>A (p.Gly505Arg)

Gene: SLC34A3 (solute carrier family 34 member 3; plus strand). Cytogenetic location: 9q34.3.
Variant type: single nucleotide variant.
Coding change: c.1513G>A on transcript NM_001177316.2 (MANE Select); coding-DNA position 1513, G replaced by A.
Protein change: p.Gly505Arg; replaces glycine 505 with arginine.
Molecular consequence: missense variant.
Genome position (GRCh38, 1-based): chr9:137,236,129, G>A. VCF-style: chr9-137236129-G-A. GRCh37 (hg19) VCF-style: chr9-140130581-G-A.
Other names: c.1513G>A (NM_080877.2); c.1513G>A, p.Gly505Arg (NM_001177317.2, NM_080877.3); short protein forms G505R.
Identifiers: ClinVar variation 1959275 (VCV001959275.6), dbSNP rs753457384, ClinGen allele CA5364978.